The following is an entry in ClinVar:

NM_007186.6(CEP250):c.2456G>A (p.Arg819Gln)

Genes: CEP250 (centrosomal protein 250; plus strand), CEP250-AS1 (CEP250 antisense RNA 1; minus strand). Cytogenetic location: 20q11.22.
Variant type: single nucleotide variant.
Coding change: c.2456G>A on transcript NM_007186.6 (MANE Select); coding-DNA position 2456, G replaced by A.
Protein change: p.Arg819Gln; replaces arginine 819 with glutamine.
Molecular consequence: missense variant.
Genome position (GRCh38, 1-based): chr20:35,480,015, G>A. VCF-style: chr20-35480015-G-A. GRCh37 (hg19) VCF-style: chr20-34067840-G-A.
Other names: c.2456G>A (NM_007186.3); c.560G>A, p.Arg187Gln (NM_001318219.1); short protein forms R187Q, R819Q.
Identifiers: ClinVar variation 840346 (VCV000840346.10), dbSNP rs199866080, ClinGen allele CA9833197.

ClinVar aggregate classification (germline): Uncertain significance. Review status: criteria provided, multiple submitters, no conflicts (2 of 4 stars). 3 submissions from 3 submitters: Uncertain significance (3). Last evaluated 2024-01-03.

Allele frequency attached by ClinVar (database versions not stated): gnomAD exomes 0.00001 and 0.00003; ExAC 0.00002; gnomAD 0.00004 and 0.00005; TOPMed 0.00008; 1000 Genomes Project 30x 0.00031; 1000 Genomes Project 0.00040.
gnomAD v4.1: 25 of 1,613,772 alleles (0.0015%); highest among the groups gnomAD compares: Admixed American, 0.012%; no homozygotes.

Submissions (3):

Ambry Genetics
Classification: Uncertain significance. Last evaluated: 2024-01-03. Review status: criteria provided, single submitter. Criteria: Ambry Variant Classification Scheme 2023. Collection method: clinical testing. Allele origin: germline.

Labcorp Genetics (formerly Invitae), Labcorp
Classification: Uncertain significance. Last evaluated: 2023-12-18. Review status: criteria provided, single submitter. Criteria: Invitae Variant Classification Sherloc (09022015). Collection method: clinical testing. Allele origin: germline.
Comment: This sequence change replaces arginine, which is basic and polar, with glutamine, which is neutral and polar, at codon 819 of the CEP250 protein (p.Arg819Gln). This variant is present in population databases (rs199866080, gnomAD 0.01%). This variant has not been reported in the literature in individuals affected with CEP250-related conditions. ClinVar contains an entry for this variant (Variation ID: 840346). An algorithm developed to predict the effect of missense changes on protein structure and function (PolyPhen-2) suggests that this variant is likely to be disruptive. In summary, the available evidence is currently insufficient to determine the role of this variant in disease. Therefore, it has been classified as a Variant of Uncertain Significance.

Blueprint Genetics
Classification: Uncertain significance. Last evaluated: 2023-08-15. Review status: criteria provided, single submitter. Criteria: ACMG Guidelines, 2015. Collection method: clinical testing. Allele origin: germline.